The following is an entry in ClinVar:

NM_002109.6(HARS1):c.989A>G (p.Tyr330Cys)

Gene: HARS1 (histidyl-tRNA synthetase 1; minus strand). Cytogenetic location: 5q31.3.
Variant type: single nucleotide variant.
Coding change: c.989A>G on transcript NM_002109.6 (MANE Select); coding-DNA position 989, A replaced by G.
Protein change: p.Tyr330Cys; replaces tyrosine 330 with cysteine.
Molecular consequence: missense variant.
Genome position (GRCh38, 1-based): chr5:140,676,859, T>C on the plus strand (A>G on the coding strand, the complement: HARS1 is on the minus strand). VCF-style: chr5-140676859-T-C. GRCh37 (hg19) VCF-style: chr5-140056444-T-C.
Other names: c.869A>G, p.Tyr290Cys (NM_001258040.3); c.929A>G, p.Tyr310Cys (NM_001258041.3); c.809A>G, p.Tyr270Cys (NM_001258042.3); c.767A>G, p.Tyr256Cys (NM_001289092.2); c.647A>G, p.Tyr216Cys (NM_001289093.2); c.902A>G, p.Tyr301Cys (NM_001289094.2); short protein forms Y330C, Y216C, Y290C, Y310C, Y256C, Y270C, Y301C.
Identifiers: ClinVar variation 446300 (VCV000446300.5), dbSNP rs1554106881, ClinGen allele CA361251948.

ClinVar aggregate classification (germline): Uncertain significance. Review status: criteria provided, single submitter (1 of 4 stars). 2 submissions from 2 submitters: Uncertain significance (1). 1 of the submissions does not count toward it. Last evaluated 2022-03-14.

Conditions:
Autosomal dominant Charcot-Marie-Tooth disease type 2W. Also called: CHARCOT-MARIE-TOOTH NEUROPATHY, TYPE 2W; CHARCOT-MARIE-TOOTH DISEASE, AXONAL, AUTOSOMAL DOMINANT, TYPE 2W; Charcot-Marie-Tooth disease, axonal, type 2w. Identifiers: Orphanet 488333, MedGen C5567486, MONDO:0014711, OMIM 616625.
Usher syndrome type 3B. Also called: USHER SYNDROME, TYPE IIIB. Identifiers: MedGen C3281066, MONDO:0013788, OMIM 614504.

Submissions (2):

Labcorp Genetics (formerly Invitae), Labcorp
Classification: Uncertain significance for Usher syndrome type 3B. Last evaluated: 2022-03-14. Review status: criteria provided, single submitter. Criteria: Invitae Variant Classification Sherloc (09022015). Collection method: clinical testing. Allele origin: germline.
Comment: In summary, the available evidence is currently insufficient to determine the role of this variant in disease. Therefore, it has been classified as a Variant of Uncertain Significance. Experimental studies have shown that this missense change affects HARS function (PMID: 29235198, 32543048). This missense change has been observed in individual(s) with Charcot-Marie-Tooth disease (PMID: 26752306, 29235198). Algorithms developed to predict the effect of missense changes on protein structure and function are either unavailable or do not agree on the potential impact of this missense change (SIFT: "Deleterious"; PolyPhen-2: "Probably Damaging"; Align-GVGD: "Class C0"). ClinVar contains an entry for this variant (Variation ID: 446300). This variant is not present in population databases (gnomAD no frequency). This sequence change replaces tyrosine, which is neutral and polar, with cysteine, which is neutral and slightly polar, at codon 330 of the HARS protein (p.Tyr330Cys).

Antonellis Laboratory at Michigan, University of Michigan
Classification: Uncertain significance for Autosomal dominant Charcot-Marie-Tooth disease type 2W. Review status: no assertion criteria provided. Collection method: in vitro. Allele origin: not applicable. Not counted in ClinVar's aggregate classification.

Literature cited by the submitters: PubMed 29235198 (cited by Labcorp Genetics (formerly Invitae), Labcorp); PubMed 32543048 (cited by Labcorp Genetics (formerly Invitae), Labcorp); PubMed 26752306 (cited by Labcorp Genetics (formerly Invitae), Labcorp).